The following is an entry in ClinVar:

ClinVar aggregate classification (germline): Conflicting classifications of pathogenicity. Review status: criteria provided, conflicting classifications (1 of 4 stars). 3 submissions from 3 submitters: Uncertain significance (2); Likely benign (1). Last evaluated 2026-07-01.

Conditions:
Inborn genetic diseases. Identifiers: MedGen C0950123, MeSH D030342.

Allele frequency attached by ClinVar (database versions not stated): 1000 Genomes Project 30x 0.00031; ESP Exome Variant Server 0.00038.
gnomAD v4.1: 345 of 1,613,314 alleles (0.021%); highest among the groups gnomAD compares: Non-Finnish European, 0.028%; 1 homozygote.

Submissions (3):

CeGaT Center for Human Genetics Tuebingen
Classification: Likely benign. Last evaluated: 2026-07-01. Review status: criteria provided, single submitter. Criteria: CeGaT Center For Human Genetics Tuebingen Variant Classification Criteria Version 2. Collection method: clinical testing. Allele origin: germline. Affected: yes. Observed: 1 variant allele.
Comment: ASPM: BP4

Ambry Genetics
Classification: Uncertain significance for Inborn genetic diseases. Last evaluated: 2025-07-12. Review status: criteria provided, single submitter. Criteria: Ambry Variant Classification Scheme 2023. Collection method: clinical testing. Allele origin: germline.

Labcorp Genetics (formerly Invitae), Labcorp
Classification: Uncertain significance. Last evaluated: 2021-08-28. Review status: criteria provided, single submitter. Criteria: Invitae Variant Classification Sherloc (09022015). Collection method: clinical testing. Allele origin: germline.
Comment: This sequence change replaces glutamine with proline at codon 1966 of the ASPM protein (p.Gln1966Pro). The glutamine residue is moderately conserved and there is a moderate physicochemical difference between glutamine and proline. This variant is present in population databases (rs140834556, ExAC 0.02%). This variant has not been reported in the literature in individuals affected with ASPM-related conditions. Algorithms developed to predict the effect of missense changes on protein structure and function are either unavailable or do not agree on the potential impact of this missense change (SIFT: "Deleterious"; PolyPhen-2: "Possibly Damaging"; Align-GVGD: "Class C0"). In summary, the available evidence is currently insufficient to determine the role of this variant in disease. Therefore, it has been classified as a Variant of Uncertain Significance.

NM_018136.5(ASPM):c.5897A>C (p.Gln1966Pro)

Gene: ASPM (assembly factor for spindle microtubules; minus strand). Cytogenetic location: 1q31.3.
Variant type: single nucleotide variant.
Coding change: c.5897A>C on transcript NM_018136.5 (MANE Select); coding-DNA position 5897, A replaced by C.
Protein change: p.Gln1966Pro; replaces glutamine 1966 with proline.
Molecular consequence: missense variant. On other transcripts: intron variant (1).
Genome position (GRCh38, 1-based): chr1:197,103,354, T>G on the plus strand (A>C on the coding strand, the complement: ASPM is on the minus strand). VCF-style: chr1-197103354-T-G. GRCh37 (hg19) VCF-style: chr1-197072484-T-G.
Other names: c.4066-7190A>C (NM_001206846.2); c.5897A>C (NM_018136.4); short protein forms Q1966P.
Identifiers: ClinVar variation 1347158 (VCV001347158.7), dbSNP rs140834556, ClinGen allele CA1309670.